The following is an entry in ClinVar:

ClinVar aggregate classification (germline): Benign/Likely benign. Review status: criteria provided, multiple submitters, no conflicts (2 of 4 stars). 3 submissions from 3 submitters: Benign (1); Likely benign (2). Last evaluated 2025-12-30.

Conditions:
Duchenne muscular dystrophy (DMD). Also called: MUSCULAR DYSTROPHY, PSEUDOHYPERTROPHIC PROGRESSIVE, DUCHENNE TYPE; Duchenne Muscular Dystrophy (DMD). Identifiers: Orphanet 98896, MedGen C0013264, MONDO:0010679, OMIM 310200.

Allele frequency attached by ClinVar (database versions not stated): gnomAD exomes 0.00004 and 0.00009; gnomAD 0.00005; TOPMed 0.00008; ExAC 0.00009; ESP Exome Variant Server 0.00009.
gnomAD v4.1: 51 of 1,201,985 alleles (0.0042%); highest among the groups gnomAD compares: African/African-American, 0.0053%; no homozygotes.

Submissions (3):

Labcorp Genetics (formerly Invitae), Labcorp
Classification: Benign for Duchenne muscular dystrophy. Last evaluated: 2025-12-30. Review status: criteria provided, single submitter. Criteria: Invitae Variant Classification Sherloc (09022015). Collection method: clinical testing. Allele origin: germline.

Blueprint Genetics
Classification: Likely benign. Last evaluated: 2024-11-14. Review status: criteria provided, single submitter. Criteria: ACMG Guidelines, 2015. Collection method: clinical testing. Allele origin: germline.

GeneDx
Classification: Likely benign. Last evaluated: 2017-09-28. Review status: criteria provided, single submitter. Criteria: GeneDx Variant Classification (06012015). Collection method: clinical testing. Allele origin: germline. Affected: yes.
Comment: This variant is considered likely benign or benign based on one or more of the following criteria: it is a conservative change, it occurs at a poorly conserved position in the protein, it is predicted to be benign by multiple in silico algorithms, and/or has population frequency not consistent with disease.

NM_004006.3(DMD):c.4845+17T>C

Gene: DMD (dystrophin; minus strand). Cytogenetic location: Xp21.1.
Variant type: single nucleotide variant.
Coding change: c.4845+17T>C on transcript NM_004006.3 (MANE Select); 17 bases into the intron after coding-DNA position 4845, T replaced by C.
Molecular consequence: intron variant.
Genome position (GRCh38, 1-based): chrX:32,380,493, A>G on the plus strand (T>C on the coding strand, the complement: DMD is on the minus strand). VCF-style: chrX-32380493-A-G. GRCh37 (hg19) VCF-style: chrX-32398610-A-G.
Other names: c.4821+17T>C (NM_000109.4); c.822+17T>C (NM_004011.4); c.813+17T>C (NM_004012.4); c.4833+17T>C (NM_004009.3); c.4476+17T>C (NM_004010.3).
Identifiers: ClinVar variation 512440 (VCV000512440.10), dbSNP rs200084661, ClinGen allele CA10378854.